The following is an entry in ClinVar:

ClinVar aggregate classification (germline): Uncertain significance (1 of 4 stars; one submission).

Conditions:
Inborn genetic diseases. Identifiers: MedGen C0950123, MeSH D030342.

Submission:

Ambry Genetics
Classification: Uncertain significance for Inborn genetic diseases. Last evaluated: 2023-07-27. Review status: criteria provided, single submitter. Criteria: Ambry Variant Classification Scheme 2023. Collection method: clinical testing. Allele origin: germline.
Comment: The p.Q1226R variant (also known as c.3677A>G), located in coding exon 19 of the ATR gene, results from an A to G substitution at nucleotide position 3677. The glutamine at codon 1226 is replaced by arginine, an amino acid with highly similar properties. This amino acid position is conserved. In addition, this alteration is predicted to be tolerated by in silico analysis. Since supporting evidence is limited at this time, the clinical significance of this alteration remains unclear.

NM_001184.4(ATR):c.3677A>G (p.Gln1226Arg)

Gene: ATR (ATR checkpoint kinase; minus strand). Cytogenetic location: 3q23.
Variant type: single nucleotide variant.
Coding change: c.3677A>G on transcript NM_001184.4 (MANE Select); coding-DNA position 3677, A replaced by G.
Protein change: p.Gln1226Arg; replaces glutamine 1226 with arginine.
Molecular consequence: missense variant.
Genome position (GRCh38, 1-based): chr3:142,538,530, T>C on the plus strand (A>G on the coding strand, the complement: ATR is on the minus strand). VCF-style: chr3-142538530-T-C. GRCh37 (hg19) VCF-style: chr3-142257372-T-C.
Other names: c.3485A>G, p.Gln1162Arg (NM_001354579.2); short protein forms Q1162R, Q1226R.
Identifiers: ClinVar variation 2587574 (VCV002587574.2), dbSNP rs1258899174, ClinGen allele CA354807467.